The following is an entry in ClinVar:

NM_170601.5(SIAE):c.1343G>C (p.Arg448Pro)

Gene: SIAE (sialic acid acetylesterase; minus strand). Cytogenetic location: 11q24.2.
Variant type: single nucleotide variant.
Coding change: c.1343G>C on transcript NM_170601.5 (MANE Select); coding-DNA position 1343, G replaced by C.
Protein change: p.Arg448Pro; replaces arginine 448 with proline.
Molecular consequence: missense variant.
Genome position (GRCh38, 1-based): chr11:124,637,180, C>G on the plus strand (G>C on the coding strand, the complement: SIAE is on the minus strand). VCF-style: chr11-124637180-C-G. GRCh37 (hg19) VCF-style: chr11-124507076-C-G.
Other names: c.1238G>C, p.Arg413Pro (NM_001199922.2); short protein forms R413P, R448P.
Identifiers: ClinVar variation 1718675 (VCV001718675.5), dbSNP rs972604088, ClinGen allele CA383142239.
Genomic context (GRCh38, chr11:124,637,180, plus strand): 5'-ATCGCCAGGGTCAGGGACTGGGTGGAGACGGTGTTCATAGAAGCTGGAAGCCACTTGCAT[C>G]GATGGTCACTGCAACAGGAGATCTAATAAGAGAGCCATAAAATAGGAATGATTAGGTCAG-3'
Protein context (NP_733746.1, residues 438-458): IFEISCCSDH[Arg448Pro]CKWLPASMNT

ClinVar aggregate classification (germline): Uncertain significance (1 of 4 stars; one submission).

Submission:

Labcorp Genetics (formerly Invitae), Labcorp
Classification: Uncertain significance. Last evaluated: 2022-09-02. Review status: criteria provided, single submitter. Criteria: Invitae Variant Classification Sherloc (09022015). Collection method: clinical testing. Allele origin: germline.
Comment: This sequence change replaces arginine, which is basic and polar, with proline, which is neutral and non-polar, at codon 448 of the SIAE protein (p.Arg448Pro). This variant is not present in population databases (gnomAD no frequency). This variant has not been reported in the literature in individuals affected with SIAE-related conditions. Algorithms developed to predict the effect of missense changes on protein structure and function (SIFT, PolyPhen-2, Align-GVGD) all suggest that this variant is likely to be tolerated. In summary, the available evidence is currently insufficient to determine the role of this variant in disease. Therefore, it has been classified as a Variant of Uncertain Significance.